The following is an entry in ClinVar:

ClinVar aggregate classification (germline): Uncertain significance (1 of 4 stars; one submission).

Submission:

Ambry Genetics
Classification: Uncertain significance. Last evaluated: 2024-07-02. Review status: criteria provided, single submitter. Criteria: Ambry Variant Classification Scheme 2023. Collection method: clinical testing. Allele origin: germline.
Comment: The p.Q1346R variant (also known as c.4037A>G), located in coding exon 10 of the MLH3 gene, results from an A to G substitution at nucleotide position 4037. The glutamine at codon 1346 is replaced by arginine, an amino acid with highly similar properties. This amino acid position is conserved. In addition, this alteration is predicted to be tolerated by in silico analysis. Based on the available evidence, the clinical significance of this variant remains unclear.

NM_001040108.2(MLH3):c.4037A>G (p.Gln1346Arg)

Gene: MLH3 (mutL homolog 3; minus strand). Cytogenetic location: 14q24.3.
Variant type: single nucleotide variant.
Coding change: c.4037A>G on transcript NM_001040108.2 (MANE Select); coding-DNA position 4037, A replaced by G.
Protein change: p.Gln1346Arg; replaces glutamine 1346 with arginine.
Molecular consequence: missense variant.
Genome position (GRCh38, 1-based): chr14:75,022,867, T>C on the plus strand (A>G on the coding strand, the complement: MLH3 is on the minus strand). VCF-style: chr14-75022867-T-C. GRCh37 (hg19) VCF-style: chr14-75489570-T-C.
Other names: c.3965A>G, p.Gln1322Arg (NM_014381.3); short protein forms Q1346R, Q1322R.
Identifiers: ClinVar variation 3396659 (VCV003396659.1).
Genomic context (GRCh38, chr14:75,022,867, plus strand): 5'-GGCTTACCATGGCAGGCTTGGGATGCCAACACCTTCTGGACAGTCAGTGGCAATGTCCCT[T>C]GGATGCCTCCGGTGGTCTGGAGTAGCTAATGCATAAACACGTTATTAACAGGAAAAGAAA-3'
Protein context (NP_001035197.1, residues 1336-1356): LELLQTTGGI[Gln1346Arg]GTLPLTVQKV